The following is an entry in ClinVar:

ClinVar aggregate classification (germline): Uncertain significance (1 of 4 stars; one submission).

Conditions:
Cardiovascular phenotype. Identifiers: MedGen CN230736.

Submission:

Ambry Genetics
Classification: Uncertain significance for Cardiovascular phenotype. Last evaluated: 2023-12-08. Review status: criteria provided, single submitter. Criteria: Ambry Variant Classification Scheme 2023. Collection method: clinical testing. Allele origin: germline.
Comment: The p.A208V variant (also known as c.623C>T), located in coding exon 1 of the ALPK3 gene, results from a C to T substitution at nucleotide position 623. The alanine at codon 208 is replaced by valine, an amino acid with similar properties. This amino acid position is conserved. In addition, this alteration is predicted to be tolerated by in silico analysis. Since supporting evidence is limited at this time, the clinical significance of this alteration remains unclear.

NM_020778.5(ALPK3):c.17C>T (p.Ala6Val)

Gene: ALPK3 (alpha kinase 3; plus strand). Cytogenetic location: 15q25.3.
Variant type: single nucleotide variant.
Coding change: c.17C>T on transcript NM_020778.5 (MANE Select); coding-DNA position 17, C replaced by T.
Protein change: p.Ala6Val; replaces alanine 6 with valine.
Molecular consequence: missense variant.
Genome position (GRCh38, 1-based): chr15:84,817,469, C>T. VCF-style: chr15-84817469-C-T. GRCh37 (hg19) VCF-style: chr15-85360700-C-T.
Other names: short protein forms A6V.
Identifiers: ClinVar variation 3227493 (VCV003227493.1), dbSNP rs1963372930, ClinGen allele CA393369296.